The following is an entry in ClinVar:

ClinVar aggregate classification (germline): Uncertain significance. Review status: criteria provided, multiple submitters, no conflicts (2 of 4 stars). 2 submissions from 2 submitters: Uncertain significance (2). Last evaluated 2023-11-20.

Conditions:
Early-infantile DEE. Also called: Early infantile epileptic encephalopathy; Early infantile epileptic encephalopathy with suppression bursts; Ohtahara syndrome. Identifiers: Orphanet 1934, MedGen C0393706, MONDO:0800491.

Submissions (2):

Labcorp Genetics (formerly Invitae), Labcorp
Classification: Uncertain significance for Early-infantile DEE. Last evaluated: 2023-11-20. Review status: criteria provided, single submitter. Criteria: Invitae Variant Classification Sherloc (09022015). Collection method: clinical testing. Allele origin: germline.
Comment: This sequence change creates a premature translational stop signal (p.Gln606*) in the HCN1 gene. While this is not anticipated to result in nonsense mediated decay, it is expected to disrupt the last 285 amino acid(s) of the HCN1 protein. This variant is not present in population databases (gnomAD no frequency). This variant has not been reported in the literature in individuals affected with HCN1-related conditions. ClinVar contains an entry for this variant (Variation ID: 1310453). In summary, the available evidence is currently insufficient to determine the role of this variant in disease. Therefore, it has been classified as a Variant of Uncertain Significance.

GeneDx
Classification: Uncertain significance. Last evaluated: 2019-11-18. Review status: criteria provided, single submitter. Criteria: GeneDx Variant Classification Process June 2021. Collection method: clinical testing. Allele origin: germline. Affected: yes.
Comment: Not observed in large population cohorts (Lek et al., 2016); Nonsense variant predicted to result in protein truncation, although loss-of-function variants have not been reported downstream of this position in the protein; Has not been previously published as pathogenic or benign to our knowledge

NM_021072.4(HCN1):c.1816C>T (p.Gln606Ter)

Gene: HCN1 (hyperpolarization activated cyclic nucleotide gated potassium channel 1; minus strand). Cytogenetic location: 5p12.
Variant type: single nucleotide variant.
Coding change: c.1816C>T on transcript NM_021072.4 (MANE Select); coding-DNA position 1816, C replaced by T.
Protein change: p.Gln606Ter; replaces glutamine 606 with a stop codon.
Molecular consequence: nonsense.
Genome position (GRCh38, 1-based): chr5:45,262,778, G>A on the plus strand (C>T on the coding strand, the complement: HCN1 is on the minus strand). VCF-style: chr5-45262778-G-A. GRCh37 (hg19) VCF-style: chr5-45262880-G-A.
Other names: short protein forms Q606*.
Identifiers: ClinVar variation 1310453 (VCV001310453.5), dbSNP rs2111840186, ClinGen allele CA359704696.